The following is an entry in ClinVar:

NM_001267550.2(TTN):c.93000C>A (p.Asn31000Lys)

Genes: TTN (titin; minus strand), TTN-AS1 (TTN antisense RNA 1; plus strand). Cytogenetic location: 2q31.2.
Variant type: single nucleotide variant.
Coding change: c.93000C>A on transcript NM_001267550.2 (MANE Select); coding-DNA position 93000, C replaced by A.
Protein change: p.Asn31000Lys; replaces asparagine 31000 with lysine.
Molecular consequence: missense variant.
Genome position (GRCh38, 1-based): chr2:178,548,626, G>T on the plus strand (C>A on the coding strand, the complement: TTN is on the minus strand). VCF-style: chr2-178548626-G-T. GRCh37 (hg19) VCF-style: chr2-179413353-G-T.
Other names: c.88077C>A, p.Asn29359Lys (NM_001256850.1); c.65805C>A, p.Asn21935Lys (NM_003319.4); c.85296C>A, p.Asn28432Lys (NM_133378.4); c.66180C>A, p.Asn22060Lys (NM_133432.3); c.66381C>A, p.Asn22127Lys (NM_133437.4); short protein forms N21935K, N22060K, N22127K, N28432K, N29359K, N31000K.
Identifiers: ClinVar variation 3768177 (VCV003768177.1).

ClinVar aggregate classification (germline): Uncertain significance (1 of 4 stars; one submission).

Submission:

Women's Health and Genetics/Laboratory Corporation of America, LabCorp
Classification: Uncertain significance. Last evaluated: 2024-12-10. Review status: criteria provided, single submitter. Criteria: LabCorp Variant Classification Summary - May 2015. Collection method: clinical testing. Allele origin: germline.
Comment: Variant summary: TTN c.85296C>A (p.Asn28432Lys), corresponding to c.93000C>A (p.Asn31000Lys) in NM_001267550, results in a non-conservative amino acid change located in the A-band of the encoded protein sequence. Four of four in-silico tools predict a damaging effect of the variant on protein function. The variant was absent in 248418 control chromosomes. The available data on variant occurrences in the general population are insufficient to allow any conclusion about variant significance. To our knowledge, no occurrence of c.85296C>A in individuals affected with Autosomal Recessive Titinopathy or other TTN-related disorders and no experimental evidence demonstrating its impact on protein function have been reported. No submitters have cited clinical-significance assessments for this variant to ClinVar. Based on the evidence outlined above, the variant was classified as uncertain significance.